The following is an entry in ClinVar:

NM_001005361.3(DNM2):c.2332C>A (p.Pro778Thr)

Gene: DNM2 (dynamin 2; plus strand). Cytogenetic location: 19p13.2.
Variant type: single nucleotide variant.
Coding change: c.2332C>A on transcript NM_001005361.3 (MANE Select); coding-DNA position 2332, C replaced by A.
Protein change: p.Pro778Thr; replaces proline 778 with threonine.
Molecular consequence: missense variant.
Genome position (GRCh38, 1-based): chr19:10,830,167, C>A. VCF-style: chr19-10830167-C-A. GRCh37 (hg19) VCF-style: chr19-10940843-C-A.
Other names: c.2332C>A, p.Pro778Thr (NM_001005360.3, NM_001190716.2); c.2320C>A, p.Pro774Thr (NM_001005362.3, NM_004945.4); short protein forms P774T, P778T.
Identifiers: ClinVar variation 1470209 (VCV001470209.6), dbSNP rs774220956, ClinGen allele CA404043697.

ClinVar aggregate classification (germline): Uncertain significance (1 of 4 stars; one submission).

Conditions:
Charcot-Marie-Tooth disease dominant intermediate B (CMTDIB). Also called: Charcot-Marie-Tooth disease dominant intermediate 1; CMT DI1; Charcot-Marie-Tooth disease dominant intermediate I; CHARCOT-MARIE-TOOTH NEUROPATHY, DOMINANT INTERMEDIATE B. Identifiers: Orphanet 100044, Orphanet 228179, MedGen C1847902, MONDO:0011674, OMIM 606482.

Allele frequency attached by ClinVar (database versions not stated): TOPMed below 0.00001.

Submission:

Labcorp Genetics (formerly Invitae), Labcorp
Classification: Uncertain significance for Charcot-Marie-Tooth disease dominant intermediate B. Last evaluated: 2021-12-02. Review status: criteria provided, single submitter. Criteria: Invitae Variant Classification Sherloc (09022015). Collection method: clinical testing. Allele origin: germline.
Comment: This sequence change replaces proline, which is neutral and non-polar, with threonine, which is neutral and polar, at codon 778 of the DNM2 protein (p.Pro778Thr). This variant is not present in population databases (gnomAD no frequency). This variant has not been reported in the literature in individuals affected with DNM2-related conditions. Algorithms developed to predict the effect of missense changes on protein structure and function are either unavailable or do not agree on the potential impact of this missense change (SIFT: "Deleterious"; PolyPhen-2: "Possibly Damaging"; Align-GVGD: "Class C0"). In summary, the available evidence is currently insufficient to determine the role of this variant in disease. Therefore, it has been classified as a Variant of Uncertain Significance.